The following is an entry in ClinVar:

ClinVar aggregate classification (germline): Uncertain significance (1 of 4 stars; one submission).

Conditions:
Schuurs-Hoeijmakers syndrome. Also called: PACS1-Related Neurodevelopmental Disorder. Identifiers: Orphanet 329224, MedGen C3554343, MONDO:0014006, OMIM 615009.

Submission:

Labcorp Genetics (formerly Invitae), Labcorp
Classification: Uncertain significance for Schuurs-Hoeijmakers syndrome. Last evaluated: 2022-07-19. Review status: criteria provided, single submitter. Criteria: Invitae Variant Classification Sherloc (09022015). Collection method: clinical testing. Allele origin: germline.
Comment: In summary, the available evidence is currently insufficient to determine the role of this variant in disease. Therefore, it has been classified as a Variant of Uncertain Significance. Experimental studies and prediction algorithms are not available or were not evaluated, and the functional significance of this variant is currently unknown. This variant has not been reported in the literature in individuals affected with PACS1-related conditions. This variant is not present in population databases (gnomAD no frequency). This variant, c.2353_2373del, results in the deletion of 7 amino acid(s) of the PACS1 protein (p.Ser785_Asp791del), but otherwise preserves the integrity of the reading frame.

NM_018026.4(PACS1):c.2353_2373del (p.Ser785_Asp791del)

Gene: PACS1 (phosphofurin acidic cluster sorting protein 1; plus strand). Cytogenetic location: 11q13.2.
Variant type: Deletion.
Coding change: c.2353_2373del on transcript NM_018026.4 (MANE Select); coding-DNA positions 2353 to 2373, 21 bases deleted (AGCTCGGGCCTGAGCCGAGAC).
Protein change: p.Ser785_Asp791del.
Molecular consequence: inframe deletion.
Genome position (GRCh38, 1-based): chr11:66,239,201-66,239,221, AGCTCGGGCCTGAGCCGAGAC deleted; deleting any 21 consecutive bases within chr11:66,239,200-66,239,221 gives the same sequence; the c. name uses the placement nearest the transcript's 3' end. VCF-style (leftmost placement, unchanged base first): chr11-66239199-CCAGCTCGGGCCTGAGCCGAGA-C. GRCh37 (hg19) VCF-style: chr11-66006670-CCAGCTCGGGCCTGAGCCGAGA-C.
Identifiers: ClinVar variation 2095153 (VCV002095153.4), dbSNP rs2495602984, ClinGen allele CA2580084628.